The following is an entry in ClinVar:

NM_001256071.3(RNF213):c.5545A>G (p.Met1849Val)

Gene: RNF213 (ring finger protein 213; plus strand). Cytogenetic location: 17q25.3.
Variant type: single nucleotide variant.
Coding change: c.5545A>G on transcript NM_001256071.3 (MANE Select); coding-DNA position 5545, A replaced by G.
Protein change: p.Met1849Val; replaces methionine 1849 with valine.
Molecular consequence: missense variant.
Genome position (GRCh38, 1-based): chr17:80,339,912, A>G. VCF-style: chr17-80339912-A-G. GRCh37 (hg19) VCF-style: chr17-78313712-A-G.
Other names: c.5692A>G, p.Met1898Val (NM_001410195.1, NM_020914.5); short protein forms M1849V, M1898V.
Identifiers: ClinVar variation 3618936 (VCV003618936.2).
Genomic context (GRCh38, chr17:80,339,912, plus strand): 5'-CAGCCCAACCTCGTCGTCTGTGGCCACTCCGAGGTGTTGCCAGCCGCCCTGGCTGTCTAC[A>G]TGCAAACCCCAAGCCAGCCCCTGCCCACTTACGATGAGGTGCTGCTCTGCACCCCGGCAA-3'
Protein context (NP_001243000.2, residues 1839-1859): EVLPAALAVY[Met1849Val]QTPSQPLPTY

ClinVar aggregate classification (germline): Uncertain significance (1 of 4 stars; one submission).

Submission:

Labcorp Genetics (formerly Invitae), Labcorp
Classification: Uncertain significance. Last evaluated: 2024-02-24. Review status: criteria provided, single submitter. Criteria: Invitae Variant Classification Sherloc (09022015). Collection method: clinical testing. Allele origin: germline.
Comment: This sequence change replaces methionine, which is neutral and non-polar, with valine, which is neutral and non-polar, at codon 1849 of the RNF213 protein (p.Met1849Val). This variant is present in population databases (no rsID available, gnomAD 0.006%). This variant has not been reported in the literature in individuals affected with RNF213-related conditions. Algorithms developed to predict the effect of missense changes on protein structure and function output the following: SIFT: "Not Available"; PolyPhen-2: "Benign"; Align-GVGD: "Not Available". The valine amino acid residue is found in multiple mammalian species, which suggests that this missense change does not adversely affect protein function. In summary, the available evidence is currently insufficient to determine the role of this variant in disease. Therefore, it has been classified as a Variant of Uncertain Significance.